The following is an entry in ClinVar:

ClinVar aggregate classification (germline): Uncertain significance (1 of 4 stars; one submission).

Conditions:
SLC1A5-related disorder. Also called: SLC1A5-related condition.

gnomAD v4.1: 33 of 1,613,610 alleles (0.002%); highest among the groups gnomAD compares: Middle Eastern, 0.016%; no homozygotes.

Submission:

PreventionGenetics, part of Exact Sciences
Classification: Uncertain significance for SLC1A5-related condition. Last evaluated: 2026-09-02. Review status: criteria provided, single submitter. Criteria: ACMG Guidelines, 2015. Collection method: clinical testing. Allele origin: germline.
Comment: The SLC1A5 c.1582G>A variant is predicted to result in the amino acid substitution p.Ala528Thr. To our knowledge, this variant has not been reported in the literature. This variant is reported in 0.0039% of alleles in individuals of European (Non-Finnish) descent in gnomAD. At this time, the clinical significance of this variant is uncertain due to the absence of conclusive functional and genetic evidence.

NM_005628.3(SLC1A5):c.1582G>A (p.Ala528Thr)

Gene: SLC1A5 (solute carrier family 1 member 5; minus strand). Cytogenetic location: 19q13.32.
Variant type: single nucleotide variant.
Coding change: c.1582G>A on transcript NM_005628.3 (MANE Select); coding-DNA position 1582, G replaced by A.
Protein change: p.Ala528Thr; replaces alanine 528 with threonine.
Molecular consequence: missense variant.
Genome position (GRCh38, 1-based): chr19:46,775,554, C>T on the plus strand (G>A on the coding strand, the complement: SLC1A5 is on the minus strand). VCF-style: chr19-46775554-C-T. GRCh37 (hg19) VCF-style: chr19-47278811-C-T.
Other names: c.898G>A, p.Ala300Thr (NM_001145144.2); c.976G>A, p.Ala326Thr (NM_001145145.2); short protein forms A300T, A326T, A528T.
Identifiers: ClinVar variation 4990439 (VCV004990439.1).